The following is an entry in ClinVar:

NM_000283.4(PDE6B):c.397C>T (p.Pro133Ser)

Gene: PDE6B (phosphodiesterase 6B; plus strand). Cytogenetic location: 4p16.3.
Variant type: single nucleotide variant.
Coding change: c.397C>T on transcript NM_000283.4 (MANE Select); coding-DNA position 397, C replaced by T.
Protein change: p.Pro133Ser; replaces proline 133 with serine.
Molecular consequence: missense variant.
Genome position (GRCh38, 1-based): chr4:626,023, C>T. VCF-style: chr4-626023-C-T. GRCh37 (hg19) VCF-style: chr4-619812-C-T.
Other names: c.397C>T, p.Pro133Ser (NM_001145291.2); short protein forms P133S.
Identifiers: ClinVar variation 3620135 (VCV003620135.2).

ClinVar aggregate classification (germline): Uncertain significance (1 of 4 stars; one submission).

Submission:

Labcorp Genetics (formerly Invitae), Labcorp
Classification: Uncertain significance. Last evaluated: 2024-02-25. Review status: criteria provided, single submitter. Criteria: Invitae Variant Classification Sherloc (09022015). Collection method: clinical testing. Allele origin: germline.
Comment: This sequence change replaces proline, which is neutral and non-polar, with serine, which is neutral and polar, at codon 133 of the PDE6B protein (p.Pro133Ser). This variant is not present in population databases (gnomAD no frequency). This variant has not been reported in the literature in individuals affected with PDE6B-related conditions. Advanced modeling of protein sequence and biophysical properties (such as structural, functional, and spatial information, amino acid conservation, physicochemical variation, residue mobility, and thermodynamic stability) has been performed at Invitae for this missense variant, however the output from this modeling did not meet the statistical confidence thresholds required to predict the impact of this variant on PDE6B protein function. In summary, the available evidence is currently insufficient to determine the role of this variant in disease. Therefore, it has been classified as a Variant of Uncertain Significance.